The following is an entry in ClinVar:

NM_001346249.2(RALGAPA1):c.2168A>G (p.Asp723Gly)

Gene: RALGAPA1 (Ral GTPase activating protein catalytic subunit alpha 1; minus strand). Cytogenetic location: 14q13.2.
Variant type: single nucleotide variant.
Coding change: c.2168A>G on transcript NM_001346249.2 (MANE Select); coding-DNA position 2168, A replaced by G.
Protein change: p.Asp723Gly; replaces aspartic acid 723 with glycine.
Molecular consequence: missense variant.
Genome position (GRCh38, 1-based): chr14:35,721,786, T>C on the plus strand (A>G on the coding strand, the complement: RALGAPA1 is on the minus strand). VCF-style: chr14-35721786-T-C. GRCh37 (hg19) VCF-style: chr14-36190992-T-C.
Other names: c.2168A>G, p.Asp723Gly (NM_001283043.3, NM_001283044.3, NM_001330075.3 and 7 more transcripts); short protein forms D723G.
Identifiers: ClinVar variation 2406057 (VCV002406057.2), dbSNP rs1189624681, ClinGen allele CA389498304.

ClinVar aggregate classification (germline): Uncertain significance (1 of 4 stars; one submission).

Conditions:
Inborn genetic diseases. Identifiers: MedGen C0950123, MeSH D030342.

Allele frequency attached by ClinVar (database versions not stated): gnomAD exomes below 0.00001.
gnomAD v4.1: 4 of 1,612,792 alleles (0.00025%); highest among the groups gnomAD compares: Non-Finnish European, 0.00034%; no homozygotes.

Submission:

Ambry Genetics
Classification: Uncertain significance for Inborn genetic diseases. Last evaluated: 2021-03-25. Review status: criteria provided, single submitter. Criteria: Ambry Variant Classification Scheme 2023. Collection method: clinical testing. Allele origin: germline.
Comment: The c.2168A>G (p.D723G) alteration is located in exon 16 (coding exon 16) of the RALGAPA1 gene. This alteration results from a A to G substitution at nucleotide position 2168, causing the aspartic acid (D) at amino acid position 723 to be replaced by a glycine (G). The in silico prediction for the p.D723G alteration is inconclusive. Based on insufficient or conflicting evidence, the clinical significance of this alteration remains unclear.